The following is an entry in ClinVar:

ClinVar aggregate classification (germline): Uncertain significance (1 of 4 stars; one submission).

Conditions:
Familial thoracic aortic aneurysm and aortic dissection (TAAD). Also called: Thoracic aortic aneurysms and dissections. Identifiers: Orphanet 91387, MedGen C4707243, MONDO:0019625.

Submission:

Color Diagnostics, LLC DBA Color Health
Classification: Uncertain significance for Familial thoracic aortic aneurysm and aortic dissection. Last evaluated: 2025-06-17. Review status: criteria provided, single submitter. Criteria: ACMG Guidelines, 2015. Collection method: clinical testing. Allele origin: germline.
Comment: This missense variant replaces glutamine with arginine at codon 2345 of the FBN1 protein. Computational prediction suggests that this variant may not impact protein structure and function. To our knowledge, functional studies have not been reported for this variant. This variant has not been reported in individuals affected with FBN1-related disorders in the literature. This variant has not been identified in the general population by the Genome Aggregation Database (gnomAD). The available evidence is insufficient to determine the role of this variant in disease conclusively. Therefore, this variant is classified as a Variant of Uncertain Significance.

NM_000138.5(FBN1):c.7034A>G (p.Gln2345Arg)

Gene: FBN1 (fibrillin 1; minus strand). Cytogenetic location: 15q21.1.
Variant type: single nucleotide variant.
Coding change: c.7034A>G on transcript NM_000138.5 (MANE Select); coding-DNA position 7034, A replaced by G.
Protein change: p.Gln2345Arg; replaces glutamine 2345 with arginine.
Molecular consequence: missense variant.
Genome position (GRCh38, 1-based): chr15:48,427,737, T>C on the plus strand (A>G on the coding strand, the complement: FBN1 is on the minus strand). VCF-style: chr15-48427737-T-C. GRCh37 (hg19) VCF-style: chr15-48719934-T-C.
Other names: c.7034A>G, p.Gln2345Arg (NM_001406716.1); short protein forms Q2345R.
Identifiers: ClinVar variation 4757279 (VCV004757279.1).